The following is an entry in ClinVar:

ClinVar aggregate classification (germline): Conflicting classifications of pathogenicity. Review status: criteria provided, conflicting classifications (1 of 4 stars). 4 submissions from 4 submitters: Uncertain significance (1); Likely benign (2). 1 of the submissions does not count toward it. Last evaluated 2025-12-10.

Conditions:
Leukodystrophy, hypomyelinating, 7, with or without oligodontia and/or hypogonadotropic hypogonadism (HLD7). Also called: LEUKOENCEPHALOPATHY, HYPOMYELINATING, WITH ATAXIA AND DELAYED DENTITION; ATAXIA, DELAYED DENTITION, AND HYPOMYELINATION; LEUKODYSTROPHY, HYPOMYELINATING, 7, WITH OLIGODONTIA; LEUKODYSTROPHY, HYPOMYELINATING, 7, WITH OLIGODONTIA AND HYPOGONADOTROPIC HYPOGONADISM; LEUKODYSTROPHY, HYPOMYELINATING, 7, WITHOUT OLIGODONTIA OR HYPOGONADOTROPIC HYPOGONADISM; Ataxia, Delayed Dentition and Hypomyelination (ADDH). Identifiers: Orphanet 137639, Orphanet 447893, Orphanet 447896, Orphanet 77295, Orphanet 88637, MedGen CN034185, MONDO:0011897, OMIM 607694.
POLR3A-related disorder. Also called: POLR3A-related condition; POLR3A-related disorders. Identifiers: MedGen CN378587, MONDO:0700276.

Allele frequency attached by ClinVar (database versions not stated): gnomAD 0.00009 and 0.00010; TOPMed 0.00013; ExAC 0.00015; gnomAD exomes 0.00015 and 0.00028; ESP Exome Variant Server 0.00038.
gnomAD v4.1: 431 of 1,613,834 alleles (0.027%); highest among the groups gnomAD compares: Non-Finnish European, 0.035%; 1 homozygote.

Submissions (4):

Labcorp Genetics (formerly Invitae), Labcorp
Classification: Likely benign. Last evaluated: 2025-12-10. Review status: criteria provided, single submitter. Criteria: Invitae Variant Classification Sherloc (09022015). Collection method: clinical testing. Allele origin: germline.

Blueprint Genetics
Classification: Likely benign. Last evaluated: 2024-11-07. Review status: criteria provided, single submitter. Criteria: ACMG Guidelines, 2015. Collection method: clinical testing. Allele origin: germline.

Illumina Laboratory Services, Illumina
Classification: Uncertain significance for Leukodystrophy, hypomyelinating, 7, with or without oligodontia and/or hypogonadotropic hypogonadism. Last evaluated: 2018-01-12. Review status: criteria provided, single submitter. Criteria: ICSL Variant Classification Criteria 13 December 2019. Collection method: clinical testing. Allele origin: germline.

PreventionGenetics, part of Exact Sciences
Classification: Likely benign for POLR3A-related condition. Last evaluated: 2019-03-01. Review status: no assertion criteria provided. Collection method: clinical testing. Allele origin: germline. Not counted in ClinVar's aggregate classification.
Comment: This variant is classified as likely benign based on ACMG/AMP sequence variant interpretation guidelines (Richards et al. 2015 PMID: 25741868, with internal and published modifications).

NM_007055.4(POLR3A):c.3822C>T (p.Thr1274=)

Gene: POLR3A (RNA polymerase III subunit A; minus strand). Cytogenetic location: 10q22.3.
Variant type: single nucleotide variant.
Coding change: c.3822C>T on transcript NM_007055.4 (MANE Select); coding-DNA position 3822, C replaced by T.
Protein change: p.Thr1274=; no amino-acid change (threonine 1274 retained).
Molecular consequence: synonymous variant.
Genome position (GRCh38, 1-based): chr10:77,981,497, G>A on the plus strand (C>T on the coding strand, the complement: POLR3A is on the minus strand). VCF-style: chr10-77981497-G-A. GRCh37 (hg19) VCF-style: chr10-79741255-G-A.
Identifiers: ClinVar variation 735051 (VCV000735051.16), dbSNP rs149961298, ClinGen allele CA5570685.